The following is an entry in ClinVar:

NM_014363.6(SACS):c.7273C>T (p.Arg2425Ter)

Gene: SACS (sacsin molecular chaperone; minus strand). Cytogenetic location: 13q12.12.
Variant type: single nucleotide variant.
Coding change: c.7273C>T on transcript NM_014363.6 (MANE Select); coding-DNA position 7273, C replaced by T.
Protein change: p.Arg2425Ter; replaces arginine 2425 with a stop codon.
Molecular consequence: nonsense.
Genome position (GRCh38, 1-based): chr13:23,336,603, G>A on the plus strand (C>T on the coding strand, the complement: SACS is on the minus strand). VCF-style: chr13-23336603-G-A. GRCh37 (hg19) VCF-style: chr13-23910742-G-A.
Other names: c.6832C>T, p.Arg2278Ter (NM_001278055.2); short protein forms R2425*, R2278*.
Identifiers: ClinVar variation 370415 (VCV000370415.14), dbSNP rs145766983, ClinGen allele CA6910940.

ClinVar aggregate classification (germline): Pathogenic/Likely pathogenic. Review status: criteria provided, multiple submitters, no conflicts (2 of 4 stars). 7 submissions from 7 submitters: Pathogenic (4); Likely pathogenic (2). 1 of the submissions does not count toward it. Last evaluated 2025-04-23.

Conditions:
Spastic paraplegia. Identifiers: MedGen C0037772, HP:0001258.
Charlevoix-Saguenay spastic ataxia (SACS). Also called: Spastic ataxia of Charlevoix-Saguenay; SPASTIC ATAXIA 6, AUTOSOMAL RECESSIVE; AUTOSOMAL RECESSIVE SPASTIC ATAXIA OF CHARLEVOIX-SAGUENAY. Identifiers: Orphanet 98, MedGen C1849140, MONDO:0010041, OMIM 270550.

Allele frequency attached by ClinVar (database versions not stated): gnomAD 0.00001; ExAC 0.00002; ESP Exome Variant Server 0.00008; TOPMed 0.00001.
gnomAD v4.1: 19 of 1,613,212 alleles (0.0012%); highest among the groups gnomAD compares: African/African-American, 0.004%; no homozygotes.

Submissions (7):

Natera, Inc.
Classification: Likely pathogenic for Charlevoix-Saguenay type spastic ataxia. Last evaluated: 2025-04-23. Review status: criteria provided, single submitter. Criteria: Natera Variant Classification Schema (03/2026). Collection method: clinical testing. Allele origin: germline.
Comment: The c.7273C>T variant in SACS is a nonsense variant predicted to introduce a stop codon at amino acid 2425. This variant is expected to result in nonsense mediated decay, truncation, or a dysfunctional protein product. This variant is rare in the general population with a frequency below the threshold expected for the associated phenotype(s). Given the available evidence, this variant is classified as Likely Pathogenic.

Labcorp Genetics (formerly Invitae), Labcorp
Classification: Pathogenic for Spastic paraplegia. Last evaluated: 2023-12-01. Review status: criteria provided, single submitter. Criteria: Invitae Variant Classification Sherloc (09022015). Collection method: clinical testing. Allele origin: germline.
Comment: This sequence change creates a premature translational stop signal (p.Arg2425*) in the SACS gene. While this is not anticipated to result in nonsense mediated decay, it is expected to disrupt the last 2155 amino acid(s) of the SACS protein. This variant is present in population databases (rs145766983, gnomAD 0.007%). This variant has not been reported in the literature in individuals affected with SACS-related conditions. ClinVar contains an entry for this variant (Variation ID: 370415). This variant disrupts a region of the SACS protein in which other variant(s) (p.Ile2949Phefs*4) have been determined to be pathogenic (PMID: 23250129). This suggests that this is a clinically significant region of the protein, and that variants that disrupt it are likely to be disease-causing. For these reasons, this variant has been classified as Pathogenic.

Women's Health and Genetics/Laboratory Corporation of America, LabCorp
Classification: Likely pathogenic for Charlevoix-Saguenay spastic ataxia. Last evaluated: 2022-11-16. Review status: criteria provided, single submitter. Criteria: LabCorp Variant Classification Summary - May 2015. Collection method: clinical testing. Allele origin: germline.
Comment: Variant summary: SACS c.7273C>T (p.Arg2425X) results in a premature termination codon, which are commonly known mechanisms for disease. While the variant is not predicted to lead to nonsense-mediated decay, it does disrupt the last 2155 amino acids of the protein. Truncations downstream of this position have been classified as pathogenic by our laboratory. The variant allele was found at a frequency of 1.2e-05 in 249774 control chromosomes. To our knowledge, no occurrence of c.7273C>T in individuals affected with Autosomal Recessive Spastic Ataxia Of Charlevoix-Saguenay and no experimental evidence demonstrating its impact on protein function have been reported. Four clinical diagnostic laboratories have submitted clinical-significance assessments for this variant to ClinVar after 2014 without evidence for independent evaluation. All laboratories classified the variant as pathogenic/likely pathogenic. Based on the evidence outlined above, the variant was classified as likely pathogenic.

Baylor Genetics
Classification: Pathogenic for Charlevoix-Saguenay spastic ataxia. Last evaluated: 2022-08-20. Review status: criteria provided, single submitter. Criteria: ACMG Guidelines, 2015. Collection method: clinical testing. Allele origin: unknown.

Genome-Nilou Lab
Classification: Pathogenic for Charlevoix-Saguenay spastic ataxia. Last evaluated: 2021-09-05. Review status: criteria provided, single submitter. Criteria: ACMG Guidelines, 2015. Collection method: clinical testing. Allele origin: germline. Affected: no.

GeneDx
Classification: Pathogenic. Last evaluated: 2018-10-01. Review status: criteria provided, single submitter. Criteria: GeneDx Variant Classification (06012015). Collection method: clinical testing. Allele origin: germline. Affected: yes.
Comment: The R2425X variant in the SACS gene has not been reported previously as a pathogenic variant nor as a benign variant, to our knowledge. This variant is predicted to cause loss of normal protein function through protein truncation. The R2425X variant is not observed at a significant frequency in large population cohorts (Lek et al., 2016). We interpret R2425X as a pathogenic variant.

Counsyl
Classification: Likely pathogenic for Charlevoix-Saguenay spastic ataxia. Last evaluated: 2016-02-04. Review status: no assertion criteria provided. Collection method: clinical testing. Allele origin: unknown. Not counted in ClinVar's aggregate classification.

Literature cited by the submitters: PubMed 23250129 (cited by Labcorp Genetics (formerly Invitae), Labcorp).